The following is an entry in ClinVar:

NM_001042492.3(NF1):c.3078A>C (p.Arg1026Ser)

Gene: NF1 (neurofibromin 1; plus strand). Cytogenetic location: 17q11.2.
Variant type: single nucleotide variant.
Coding change: c.3078A>C on transcript NM_001042492.3 (MANE Select); coding-DNA position 3078, A replaced by C.
Protein change: p.Arg1026Ser; replaces arginine 1026 with serine.
Molecular consequence: missense variant.
Genome position (GRCh38, 1-based): chr17:31,230,347, A>C. VCF-style: chr17-31230347-A-C. GRCh37 (hg19) VCF-style: chr17-29557365-A-C.
Other names: c.3078A>C, p.Arg1026Ser (NM_000267.4); short protein forms R1026S.
Identifiers: ClinVar variation 642809 (VCV000642809.8), dbSNP rs1597716965, ClinGen allele CA398987502.

ClinVar aggregate classification (germline): Uncertain significance. Review status: criteria provided, multiple submitters, no conflicts (2 of 4 stars). 3 submissions from 3 submitters: Uncertain significance (3). Last evaluated 2023-02-24.

Conditions:
Hereditary cancer-predisposing syndrome. Also called: Neoplastic Syndromes, Hereditary; Hereditary Cancer Syndrome; Hereditary neoplastic syndrome; Tumor predisposition. Identifiers: Orphanet 140162, MedGen C0027672, MeSH D009386, MONDO:0015356.
Cardiovascular phenotype. Identifiers: MedGen CN230736.
Neurofibromatosis, type 1 (NF1). Also called: NEUROFIBROMATOSIS, TYPE I, SOMATIC; VON RECKLINGHAUSEN DISEASE; Neurofibromatosis, type I; Peripheral type neurofibromatosis. Identifiers: Orphanet 636, MedGen C0027831, MONDO:0018975, OMIM 162200. Disease mechanism: loss of function.

Submissions (3):

Ambry Genetics
Classification: Uncertain significance for Cardiovascular phenotype; Hereditary cancer-predisposing syndrome. Last evaluated: 2023-02-24. Review status: criteria provided, single submitter. Criteria: Ambry Variant Classification Scheme 2023. Collection method: clinical testing. Allele origin: germline.
Comment: The p.R1026S variant (also known as c.3078A>C), located in coding exon 23 of the NF1 gene, results from an A to C substitution at nucleotide position 3078. The arginine at codon 1026 is replaced by serine, an amino acid with dissimilar properties. This amino acid position is conserved. In addition, the in silico prediction for this alteration is inconclusive. Since supporting evidence is limited at this time, the clinical significance of this alteration remains unclear.

GeneDx
Classification: Uncertain significance. Last evaluated: 2022-11-21. Review status: criteria provided, single submitter. Criteria: GeneDx Variant Classification Process June 2021. Collection method: clinical testing. Allele origin: germline. Affected: yes.
Comment: Not observed at significant frequency in large population cohorts (gnomAD); In silico analysis supports that this missense variant has a deleterious effect on protein structure/function; Has not been previously published as pathogenic or benign to our knowledge; This variant is associated with the following publications: (PMID: 25486365, 2121369)

Labcorp Genetics (formerly Invitae), Labcorp
Classification: Uncertain significance for Neurofibromatosis, type 1. Last evaluated: 2018-12-19. Review status: criteria provided, single submitter. Criteria: Invitae Variant Classification Sherloc (09022015). Collection method: clinical testing. Allele origin: germline.
Comment: In summary, the available evidence is currently insufficient to determine the role of this variant in disease. Therefore, it has been classified as a Variant of Uncertain Significance. Algorithms developed to predict the effect of missense changes on protein structure and function are either unavailable or do not agree on the potential impact of this missense change (SIFT: "Deleterious"; PolyPhen-2: "Probably Damaging"; Align-GVGD: "Class C0"). This variant has not been reported in the literature in individuals with NF1-related conditions. This variant is not present in population databases (ExAC no frequency). This sequence change replaces arginine with serine at codon 1026 of the NF1 protein (p.Arg1026Ser). The arginine residue is moderately conserved and there is a moderate physicochemical difference between arginine and serine.